The following is an entry in ClinVar:

ClinVar aggregate classification (germline): Uncertain significance (1 of 4 stars; one submission).

Submission:

GeneDx
Classification: Uncertain significance. Last evaluated: 2022-10-12. Review status: criteria provided, single submitter. Criteria: GeneDx Variant Classification Process June 2021. Collection method: clinical testing. Allele origin: germline. Affected: yes.
Comment: Not observed at significant frequency in large population cohorts (gnomAD); In silico analysis supports that this missense variant does not alter protein structure/function; Has not been previously published as pathogenic or benign to our knowledge

NM_001273.5(CHD4):c.5159C>T (p.Thr1720Ile)

Genes: CHD4 (chromodomain helicase DNA binding protein 4; minus strand), CHD4-AS1 (CHD4 antisense RNA 1; plus strand). Cytogenetic location: 12p13.31.
Variant type: single nucleotide variant.
Coding change: c.5159C>T on transcript NM_001273.5 (MANE Select); coding-DNA position 5159, C replaced by T.
Protein change: p.Thr1720Ile; replaces threonine 1720 with isoleucine.
Molecular consequence: missense variant.
Genome position (GRCh38, 1-based): chr12:6,578,098, G>A on the plus strand (C>T on the coding strand, the complement: CHD4 is on the minus strand). VCF-style: chr12-6578098-G-A. GRCh37 (hg19) VCF-style: chr12-6687264-G-A.
Other names: c.5138C>T, p.Thr1713Ile (NM_001297553.2); c.5126C>T, p.Thr1709Ile (NM_001363606.2); short protein forms T1709I, T1713I, T1720I.
Identifiers: ClinVar variation 2499341 (VCV002499341.1), dbSNP rs2540371405, ClinGen allele CA383565779.